The following is an entry in ClinVar:

NM_000479.5(AMH):c.1414C>T (p.Arg472Cys)

Gene: AMH (anti-Mullerian hormone; plus strand). Cytogenetic location: 19p13.3.
Variant type: single nucleotide variant.
Coding change: c.1414C>T on transcript NM_000479.5 (MANE Select); coding-DNA position 1414, C replaced by T.
Protein change: p.Arg472Cys; replaces arginine 472 with cysteine.
Molecular consequence: missense variant.
Genome position (GRCh38, 1-based): chr19:2,251,688, C>T. VCF-style: chr19-2251688-C-T. GRCh37 (hg19) VCF-style: chr19-2251687-C-T.
Other names: short protein forms R472C.
Identifiers: ClinVar variation 4082445 (VCV004082445.2).

ClinVar aggregate classification (germline): Likely pathogenic (1 of 4 stars; one submission).

Submission:

Genetic Services Laboratory, University of Chicago
Classification: Likely pathogenic. Last evaluated: 2024-09-03. Review status: criteria provided, single submitter. Criteria: ACMG Guidelines, 2015. Collection method: clinical testing. Allele origin: germline. Affected: yes.
Comment: DNA sequence analysis of the AMH gene demonstrated a sequence change, c.1414C>T, in exon 5 that results in an amino acid change, p.Arg472Cys. The p.Arg472Cys change affects a highly conserved amino acid residue located in a domain of the AMH protein that is known to be functional. The p.Arg472Cys substitution appears to be possibly damaging using several in-silico pathogenicity prediction tools (SIFT, PolyPhen2, Align GVGD, REVEL). This sequence change has been described in the gnomAD database in one individual in the heterozygous state which corresponds to a population frequency of 0.000062%. These collective evidences indicate that this sequence change is likely pathogenic, however functional studies have not been performed to prove this conclusively.